The following is an entry in ClinVar:

NM_001101362.3(KBTBD13):c.240G>T (p.Gln80His)

Gene: KBTBD13 (kelch repeat and BTB domain containing 13; plus strand). Cytogenetic location: 15q22.31.
Variant type: single nucleotide variant.
Coding change: c.240G>T on transcript NM_001101362.3 (MANE Select); coding-DNA position 240, G replaced by T.
Protein change: p.Gln80His; replaces glutamine 80 with histidine.
Molecular consequence: missense variant.
Genome position (GRCh38, 1-based): chr15:65,077,055, G>T. VCF-style: chr15-65077055-G-T. GRCh37 (hg19) VCF-style: chr15-65369393-G-T.
Other names: short protein forms Q80H.
Identifiers: ClinVar variation 451687 (VCV000451687.10), dbSNP rs1040368554, ClinGen allele CA271503133.

ClinVar aggregate classification (germline): Uncertain significance. Review status: criteria provided, multiple submitters, no conflicts (2 of 4 stars). 3 submissions from 3 submitters: Uncertain significance (3). Last evaluated 2025-11-26.

Conditions:
Inborn genetic diseases. Identifiers: MedGen C0950123, MeSH D030342.
Nemaline myopathy 6 (NEM6). Also called: Nemaline myopathy 6, autosomal dominant. Identifiers: Orphanet 171439, MedGen C1836472, MONDO:0012237, OMIM 609273.

Allele frequency attached by ClinVar (database versions not stated): gnomAD exomes 0.00001 and 0.00003; TOPMed 0.00016.

Submissions (3):

Ambry Genetics
Classification: Uncertain significance for Inborn genetic diseases. Last evaluated: 2025-11-26. Review status: criteria provided, single submitter. Criteria: Ambry Variant Classification Scheme 2023. Collection method: clinical testing. Allele origin: germline.

Labcorp Genetics (formerly Invitae), Labcorp
Classification: Uncertain significance for Nemaline myopathy 6. Last evaluated: 2023-11-06. Review status: criteria provided, single submitter. Criteria: Invitae Variant Classification Sherloc (09022015). Collection method: clinical testing. Allele origin: germline.
Comment: This sequence change replaces glutamine, which is neutral and polar, with histidine, which is basic and polar, at codon 80 of the KBTBD13 protein (p.Gln80His). This variant is present in population databases (no rsID available, gnomAD 0.04%). This variant has not been reported in the literature in individuals affected with KBTBD13-related conditions. ClinVar contains an entry for this variant (Variation ID: 451687). Advanced modeling of protein sequence and biophysical properties (such as structural, functional, and spatial information, amino acid conservation, physicochemical variation, residue mobility, and thermodynamic stability) performed at Invitae indicates that this missense variant is not expected to disrupt KBTBD13 protein function with a negative predictive value of 80%. In summary, the available evidence is currently insufficient to determine the role of this variant in disease. Therefore, it has been classified as a Variant of Uncertain Significance.

GeneDx
Classification: Uncertain significance. Last evaluated: 2017-08-25. Review status: criteria provided, single submitter. Criteria: GeneDx Variant Classification (06012015). Collection method: clinical testing. Allele origin: germline. Affected: yes.
Comment: The Q80H variant has not been published as a pathogenic variant, nor has it been reported as a benign variant to our knowledge. The Q80H variant is not observed at a significant frequency in large population cohorts (Lek et al., 2016; 1000 Genomes Consortium et al., 2015; Exome Variant Server). This variant is a semi-conservative amino acid substitution, which may impact secondary protein structure as these residues differ in some properties. This substitution occurs at a position that is conserved in mammals; however, missense variants in nearby residues have not been reported in the Human Gene Mutation Database in association with nemaline myopathy (Stenson et al., 2014). In silico analysis is inconsistent in its predictions as to whether or not the variant is damaging to the protein structure/function.